The following is an entry in ClinVar:

NM_000284.4(PDHA1):c.224A>G (p.Glu75Gly)

Gene: PDHA1 (pyruvate dehydrogenase E1 subunit alpha 1; plus strand). Cytogenetic location: Xp22.12.
Variant type: single nucleotide variant.
Coding change: c.224A>G on transcript NM_000284.4 (MANE Select); coding-DNA position 224, A replaced by G.
Protein change: p.Glu75Gly; replaces glutamic acid 75 with glycine.
Molecular consequence: missense variant.
Genome position (GRCh38, 1-based): chrX:19,350,043, A>G. VCF-style: chrX-19350043-A-G. GRCh37 (hg19) VCF-style: chrX-19368161-A-G.
Other names: c.338A>G, p.Glu113Gly (NM_001173454.2); c.224A>G, p.Glu75Gly (NM_001173455.2, NM_001173456.2); short protein forms E113G, E75G.
Identifiers: ClinVar variation 4070301 (VCV004070301.1).

ClinVar aggregate classification (germline): Likely pathogenic (0 of 4 stars; one submission).

Conditions:
Pyruvate dehydrogenase E1-alpha deficiency (PDHAD). Also called: ATAXIA, INTERMITTENT, WITH PYRUVATE DEHYDROGENASE DEFICIENCY; ATAXIA WITH LACTIC ACIDOSIS I; ATAXIA, INTERMITTENT, WITH ABNORMAL PYRUVATE METABOLISM; Ataxia, intermittent, with pyruvate dehydrogenase, or decarboxylase, deficiency. Identifiers: Orphanet 79243, MedGen C1839413, MONDO:0010717, OMIM 312170.

Submission:

PDHA1 Study Group, University Children’s Hospital, Paracelsus Medical University
Classification: Likely pathogenic for Pyruvate dehydrogenase E1-alpha deficiency. Last evaluated: 2024-10-15. Review status: no assertion criteria provided. Collection method: research. Allele origin: de novo. Affected: yes. Observed: 1 variant allele.
Comment: The NM_000284.3:c.224A>G (p.Glu75Gly) substitution is a missense variant in PDHA1 gene. Among them, 1 case had confirmed de novo occurrence. Last literature search: July 12, 2024. This variant is absent or extremely rare in population-based cohorts in the Genome Aggregation Database (gnomAD). Individuals harboring this variant presented with clinical features compatible with PDHA1-related PDHc deficiency. In summary, this variant meets criteria to be classified as likely pathogenic (LP) for PDHA1-related PDHc deficiency based on the ACMG/AMP criteria applied: PM2, PM5, PP2, PP3 (last assessment October 15, 2024).

Literature cited by the submitters: DOI 10.1093/brain/awaf430.